The following is an entry in ClinVar:

NM_033641.4(COL4A6):c.3811C>T (p.Arg1271Cys)

Gene: COL4A6 (collagen type IV alpha 6 chain; minus strand). Cytogenetic location: Xq22.3.
Variant type: single nucleotide variant.
Coding change: c.3811C>T on transcript NM_033641.4 (MANE Select); coding-DNA position 3811, C replaced by T.
Protein change: p.Arg1271Cys; replaces arginine 1271 with cysteine.
Molecular consequence: missense variant.
Genome position (GRCh38, 1-based): chrX:108,165,036, G>A on the plus strand (C>T on the coding strand, the complement: COL4A6 is on the minus strand). VCF-style: chrX-108165036-G-A. GRCh37 (hg19) VCF-style: chrX-107408266-G-A.
Other names: c.3862C>T, p.Arg1288Cys (NM_001287758.2); c.3739C>T, p.Arg1247Cys (NM_001287759.2, NM_001287760.2); c.3814C>T, p.Arg1272Cys (NM_001847.4); short protein forms R1272C, R1271C, R1247C, R1288C.
Identifiers: ClinVar variation 3671099 (VCV003671099.2).

ClinVar aggregate classification (germline): Uncertain significance (1 of 4 stars; one submission).

gnomAD v4.1: 25 of 1,202,513 alleles (0.0021%); highest among the groups gnomAD compares: Middle Eastern, 0.024%; no homozygotes.

Submission:

Labcorp Genetics (formerly Invitae), Labcorp
Classification: Uncertain significance. Last evaluated: 2025-04-19. Review status: criteria provided, single submitter. Criteria: Invitae Variant Classification Sherloc (09022015). Collection method: clinical testing. Allele origin: germline.
Comment: This sequence change replaces arginine, which is basic and polar, with cysteine, which is neutral and slightly polar, at codon 1272 of the COL4A6 protein (p.Arg1272Cys). This variant is present in population databases (rs757302174, gnomAD 0.005%). This variant has not been reported in the literature in individuals affected with COL4A6-related conditions. ClinVar contains an entry for this variant (Variation ID: 3671099). An algorithm developed to predict the effect of missense changes on protein structure and function (PolyPhen-2) suggests that this variant is likely to be disruptive. In summary, the available evidence is currently insufficient to determine the role of this variant in disease. Therefore, it has been classified as a Variant of Uncertain Significance.